The following is an entry in ClinVar:

ClinVar aggregate classification (germline): Uncertain significance (1 of 4 stars; one submission).

Conditions:
Hereditary cancer-predisposing syndrome. Also called: Tumor predisposition; Hereditary Cancer Syndrome; Hereditary neoplastic syndrome; Neoplastic Syndromes, Hereditary. Identifiers: Orphanet 140162, MedGen C0027672, MeSH D009386, MONDO:0015356.

Submission:

Ambry Genetics
Classification: Uncertain significance for Hereditary cancer-predisposing syndrome. Last evaluated: 2025-11-09. Review status: criteria provided, single submitter. Criteria: Ambry Variant Classification Scheme 2023. Collection method: clinical testing. Allele origin: germline.
Comment: The p.C1687G variant (also known as c.5059T>G), located in coding exon 38 of the TSC2 gene, results from a T to G substitution at nucleotide position 5059. The cysteine at codon 1687 is replaced by glycine, an amino acid with highly dissimilar properties. This amino acid position is conserved. In addition, this alteration is predicted to be deleterious by in silico analysis. Based on the available evidence, the clinical significance of this variant remains unclear.

NM_000548.5(TSC2):c.5059T>G (p.Cys1687Gly)

Gene: TSC2 (TSC complex subunit 2; plus strand). Cytogenetic location: 16p13.3.
Variant type: single nucleotide variant.
Coding change: c.5059T>G on transcript NM_000548.5 (MANE Select); coding-DNA position 5059, T replaced by G.
Protein change: p.Cys1687Gly; replaces cysteine 1687 with glycine.
Molecular consequence: missense variant. On other transcripts: non-coding transcript variant (5).
Genome position (GRCh38, 1-based): chr16:2,087,932, T>G. VCF-style: chr16-2087932-T-G. GRCh37 (hg19) VCF-style: chr16-2137933-T-G.
Other names: c.4858T>G, p.Cys1620Gly (NM_001077183.3); c.4990T>G, p.Cys1664Gly (NM_001114382.3); c.4750T>G, p.Cys1584Gly (NM_001318827.2); c.4714T>G, p.Cys1572Gly (NM_001318829.2); c.4327T>G, p.Cys1443Gly (NM_001318831.2); c.4891T>G, p.Cys1631Gly (NM_001318832.2); c.4861T>G, p.Cys1621Gly (NM_001363528.2); c.4927T>G, p.Cys1643Gly (NM_001370404.1); and 26 more; short protein forms C1173G, C1420G, C1467G, C1487G, C1643G, C1663G, C1687G, C1172G.
Identifiers: ClinVar variation 4557272 (VCV004557272.1).